The following is an entry in ClinVar:

ClinVar aggregate classification (germline): Uncertain significance. Review status: criteria provided, multiple submitters, no conflicts (2 of 4 stars). 4 submissions from 4 submitters: Uncertain significance (4). Last evaluated 2025-10-14.

Conditions:
Myopathy due to calsequestrin and SERCA1 protein overload. Also called: Myopathy, vacuolar, with casq1 aggregates. Identifiers: Orphanet 88635, MedGen C4015624, MONDO:0014546, OMIM 616231.
Inborn genetic diseases. Identifiers: MedGen C0950123, MeSH D030342.

Allele frequency attached by ClinVar (database versions not stated): gnomAD 0.00002 and 0.00003; ExAC 0.00003; TOPMed 0.00003; ESP Exome Variant Server 0.00008.

Submissions (4):

Labcorp Genetics (formerly Invitae), Labcorp
Classification: Uncertain significance. Last evaluated: 2025-10-14. Review status: criteria provided, single submitter. Criteria: Invitae Variant Classification Sherloc (09022015). Collection method: clinical testing. Allele origin: germline.
Comment: This sequence change replaces arginine, which is basic and polar, with histidine, which is basic and polar, at codon 48 of the CASQ1 protein (p.Arg48His). This variant is present in population databases (rs368579149, gnomAD 0.03%). This variant has not been reported in the literature in individuals affected with CASQ1-related conditions. ClinVar contains an entry for this variant (Variation ID: 1371281). Invitae Evidence Modeling of protein sequence and biophysical properties (such as structural, functional, and spatial information, amino acid conservation, physicochemical variation, residue mobility, and thermodynamic stability) indicates that this missense variant is not expected to disrupt CASQ1 protein function with a negative predictive value of 80%. In summary, the available evidence is currently insufficient to determine the role of this variant in disease. Therefore, it has been classified as a Variant of Uncertain Significance.

Ambry Genetics
Classification: Uncertain significance for Inborn genetic diseases. Last evaluated: 2024-11-07. Review status: criteria provided, single submitter. Criteria: Ambry Variant Classification Scheme 2023. Collection method: clinical testing. Allele origin: germline.

Revvity Omics, Revvity
Classification: Uncertain significance for Myopathy due to calsequestrin and SERCA1 protein overload. Last evaluated: 2022-03-10. Review status: criteria provided, single submitter. Criteria: ACMG Guidelines, 2015. Collection method: clinical testing. Allele origin: germline.

Department of Pathology and Laboratory Medicine, Sinai Health System
Classification: Uncertain significance for myopathy due to calsequestrin and SERCA1 protein overload. Last evaluated: 2022-02-28. Review status: criteria provided, single submitter. Criteria: ACMG Guidelines, 2015. Collection method: research. Allele origin: germline.

NM_001231.5(CASQ1):c.143G>A (p.Arg48His)

Gene: CASQ1 (calsequestrin 1; plus strand). Cytogenetic location: 1q23.2.
Variant type: single nucleotide variant.
Coding change: c.143G>A on transcript NM_001231.5 (MANE Select); coding-DNA position 143, G replaced by A.
Protein change: p.Arg48His; replaces arginine 48 with histidine.
Molecular consequence: missense variant.
Genome position (GRCh38, 1-based): chr1:160,190,894, G>A. VCF-style: chr1-160190894-G-A. GRCh37 (hg19) VCF-style: chr1-160160684-G-A.
Other names: short protein forms R48H.
Identifiers: ClinVar variation 1371281 (VCV001371281.12), dbSNP rs368579149, ClinGen allele CA1196084.